The following is an entry in ClinVar:

NM_006231.4(POLE):c.5840A>G (p.Glu1947Gly)

Gene: POLE (DNA polymerase epsilon, catalytic subunit; minus strand). Cytogenetic location: 12q24.33.
Variant type: single nucleotide variant.
Coding change: c.5840A>G on transcript NM_006231.4 (MANE Select); coding-DNA position 5840, A replaced by G.
Protein change: p.Glu1947Gly; replaces glutamic acid 1947 with glycine.
Molecular consequence: missense variant.
Genome position (GRCh38, 1-based): chr12:132,634,350, T>C on the plus strand (A>G on the coding strand, the complement: POLE is on the minus strand). VCF-style: chr12-132634350-T-C. GRCh37 (hg19) VCF-style: chr12-133210936-T-C.
Other names: short protein forms E1947G.
Identifiers: ClinVar variation 1384693 (VCV001384693.6), dbSNP rs2138475418, ClinGen allele CA387371827.

ClinVar aggregate classification (germline): Uncertain significance (1 of 4 stars; one submission).

Submission:

Labcorp Genetics (formerly Invitae), Labcorp
Classification: Uncertain significance. Last evaluated: 2021-10-05. Review status: criteria provided, single submitter. Criteria: Invitae Variant Classification Sherloc (09022015). Collection method: clinical testing. Allele origin: germline.
Comment: In summary, the available evidence is currently insufficient to determine the role of this variant in disease. Therefore, it has been classified as a Variant of Uncertain Significance. Algorithms developed to predict the effect of missense changes on protein structure and function output the following: SIFT: "Tolerated"; PolyPhen-2: "Benign"; Align-GVGD: "Class C0". The glycine amino acid residue is found in multiple mammalian species, which suggests that this missense change does not adversely affect protein function. This variant has not been reported in the literature in individuals affected with POLE-related conditions. This variant is not present in population databases (ExAC no frequency). This sequence change replaces glutamic acid with glycine at codon 1947 of the POLE protein (p.Glu1947Gly). The glutamic acid residue is weakly conserved and there is a moderate physicochemical difference between glutamic acid and glycine.